The following is an entry in ClinVar:

NM_001029883.3(PCARE):c.2150C>G (p.Ala717Gly)

Gene: PCARE (photoreceptor cilium actin regulator; minus strand). Cytogenetic location: 2p23.2.
Variant type: single nucleotide variant.
Coding change: c.2150C>G on transcript NM_001029883.3 (MANE Select); coding-DNA position 2150, C replaced by G.
Protein change: p.Ala717Gly; replaces alanine 717 with glycine.
Molecular consequence: missense variant.
Genome position (GRCh38, 1-based): chr2:29,072,112, G>C on the plus strand (C>G on the coding strand, the complement: PCARE is on the minus strand). VCF-style: chr2-29072112-G-C. GRCh37 (hg19) VCF-style: chr2-29294978-G-C.
Other names: short protein forms A717G.
Identifiers: ClinVar variation 1408554 (VCV001408554.8), dbSNP rs1667500830, ClinGen allele CA346478131.
Genomic context (GRCh38, chr2:29,072,112, plus strand): 5'-GTTTCAATAAGCTTCTTGACGGATGTTCTGGTGGGACAGCCTCTGACATTCCAGTCTGTG[G>C]CCTTGGCAGCCTCACTGACCTCTCCTGATGGGATGGCATTTGGAAGCTTCCCAGCTTTGC-3'
Protein context (NP_001025054.1, residues 707-727): PSGEVSEAAK[Ala717Gly]TDWNVRGCPT

ClinVar aggregate classification (germline): Uncertain significance (1 of 4 stars; one submission).

Allele frequency attached by ClinVar (database versions not stated): gnomAD exomes 0.00001.
gnomAD v4.1: 5 of 1,614,224 alleles (0.00031%); highest among the groups gnomAD compares: Non-Finnish European, 0.00042%; no homozygotes.

Submission:

Labcorp Genetics (formerly Invitae), Labcorp
Classification: Uncertain significance. Last evaluated: 2021-02-19. Review status: criteria provided, single submitter. Criteria: Invitae Variant Classification Sherloc (09022015). Collection method: clinical testing. Allele origin: germline.
Comment: Algorithms developed to predict the effect of missense changes on protein structure and function (SIFT, PolyPhen-2, Align-GVGD) all suggest that this variant is likely to be tolerated, but these predictions have not been confirmed by published functional studies and their clinical significance is uncertain. This variant has not been reported in the literature in individuals with PCARE-related conditions. This variant is not present in population databases (ExAC no frequency). This sequence change replaces alanine with glycine at codon 717 of the PCARE protein (p.Ala717Gly). The alanine residue is moderately conserved and there is a small physicochemical difference between alanine and glycine. In summary, the available evidence is currently insufficient to determine the role of this variant in disease. Therefore, it has been classified as a Variant of Uncertain Significance.